The following is an entry in ClinVar:

ClinVar aggregate classification (germline): Uncertain significance. Review status: criteria provided, multiple submitters, no conflicts (2 of 4 stars). 2 submissions from 2 submitters: Uncertain significance (2). Last evaluated 2025-12-23.

Conditions:
Primary dilated cardiomyopathy (DCM). Also called: Dilated Cardiomyopathy. Identifiers: Orphanet 217604, MedGen C0007193, MeSH D002311, MONDO:0005021, HP:0001644. Inheritance: Various modes of inheritance.

Allele frequency attached by ClinVar (database versions not stated): gnomAD 0.00001; TOPMed 0.00002.
gnomAD v4.1: 2 of 1,612,852 alleles (0.00012%); highest among the groups gnomAD compares: African/African-American, 0.0013%; no homozygotes.

Submissions (2):

Labcorp Genetics (formerly Invitae), Labcorp
Classification: Uncertain significance for Primary dilated cardiomyopathy. Last evaluated: 2025-12-23. Review status: criteria provided, single submitter. Criteria: Invitae Variant Classification Sherloc (09022015). Collection method: clinical testing. Allele origin: germline.
Comment: This sequence change replaces proline, which is neutral and non-polar, with arginine, which is basic and polar, at codon 609 of the NEBL protein (p.Pro609Arg). This variant is not present in population databases (gnomAD no frequency). This variant has not been reported in the literature in individuals affected with NEBL-related conditions. ClinVar contains an entry for this variant (Variation ID: 1430911). An algorithm developed to predict the effect of missense changes on protein structure and function (PolyPhen-2) suggests that this variant is likely to be disruptive. In summary, the available evidence is currently insufficient to determine the role of this variant in disease. Therefore, it has been classified as a Variant of Uncertain Significance.

Ambry Genetics
Classification: Uncertain significance. Last evaluated: 2023-12-19. Review status: criteria provided, single submitter. Criteria: Ambry Variant Classification Scheme 2023. Collection method: clinical testing. Allele origin: germline.

NM_006393.3(NEBL):c.1826C>G (p.Pro609Arg)

Gene: NEBL (nebulette; minus strand). Cytogenetic location: 10p12.31.
Variant type: single nucleotide variant.
Coding change: c.1826C>G on transcript NM_006393.3 (MANE Select); coding-DNA position 1826, C replaced by G.
Protein change: p.Pro609Arg; replaces proline 609 with arginine.
Molecular consequence: missense variant. On other transcripts: intron variant (9).
Genome position (GRCh38, 1-based): chr10:20,826,490, G>C on the plus strand (C>G on the coding strand, the complement: NEBL is on the minus strand). VCF-style: chr10-20826490-G-C. GRCh37 (hg19) VCF-style: chr10-21115419-G-C.
Other names: c.250-13550C>G (NM_001377326.1, NM_001377327.1, NM_001377328.1); c.358-13550C>G (NM_213569.2, NM_001173484.2, NM_001377322.1); c.301-13550C>G (NM_001377324.1); c.292-13550C>G (NM_001377325.1); c.310-13550C>G (NM_001377323.1); c.1826C>G (NM_006393.2); short protein forms P609R.
Identifiers: ClinVar variation 1430911 (VCV001430911.7), dbSNP rs942030467, ClinGen allele CA204163328.
Genomic context (GRCh38, chr10:20,826,490, plus strand): 5'-TGCTGTAGAGAACTTACTGAACTAATATTCTGCTGATTTTTCTTCACTCGTTCGATCTCT[G>C]GGCTATCTTTCACTGCAGTGCCAGCTCCCACTTCTTTCTTATAAAATACCTTTATTATAA-3'
Protein context (NP_006384.1, residues 599-619): VGAGTAVKDS[Pro609Arg]EIERVKKNQQ